The following is an entry in ClinVar:

NM_006939.4(SOS2):c.1242C>A (p.His414Gln)

Gene: SOS2 (SOS Ras/Rho guanine nucleotide exchange factor 2; minus strand). Cytogenetic location: 14q21.3.
Variant type: single nucleotide variant.
Coding change: c.1242C>A on transcript NM_006939.4 (MANE Select); coding-DNA position 1242, C replaced by A.
Protein change: p.His414Gln; replaces histidine 414 with glutamine.
Molecular consequence: missense variant.
Genome position (GRCh38, 1-based): chr14:50,160,041, G>T on the plus strand (C>A on the coding strand, the complement: SOS2 is on the minus strand). VCF-style: chr14-50160041-G-T. GRCh37 (hg19) VCF-style: chr14-50626759-G-T.
Other names: c.1143C>A, p.His381Gln (NM_001411020.1); short protein forms H381Q, H414Q.
Identifiers: ClinVar variation 2049716 (VCV002049716.4), dbSNP rs746441669, ClinGen allele CA389646238.

ClinVar aggregate classification (germline): Uncertain significance (1 of 4 stars; one submission).

Conditions:
Noonan syndrome 9 (NS9). Identifiers: Orphanet 648, MedGen C4225282, MONDO:0014691, OMIM 616559.

gnomAD v4.1: 6 of 1,613,696 alleles (0.00037%); highest among the groups gnomAD compares: Non-Finnish European, 0.00042%; no homozygotes.

Submission:

Labcorp Genetics (formerly Invitae), Labcorp
Classification: Uncertain significance for Noonan syndrome 9. Last evaluated: 2025-11-26. Review status: criteria provided, single submitter. Criteria: Invitae Variant Classification Sherloc (09022015). Collection method: clinical testing. Allele origin: germline.
Comment: This sequence change replaces histidine, which is basic and polar, with glutamine, which is neutral and polar, at codon 414 of the SOS2 protein (p.His414Gln). This variant is not present in population databases (gnomAD no frequency). This variant has not been reported in the literature in individuals affected with SOS2-related conditions. ClinVar contains an entry for this variant (Variation ID: 2049716). Invitae Evidence Modeling of protein sequence and biophysical properties (such as structural, functional, and spatial information, amino acid conservation, physicochemical variation, residue mobility, and thermodynamic stability) indicates that this missense variant is not expected to disrupt SOS2 protein function with a negative predictive value of 95%. In summary, the available evidence is currently insufficient to determine the role of this variant in disease. Therefore, it has been classified as a Variant of Uncertain Significance.